The following is an entry in ClinVar:

NM_001301043.2(CADM1):c.1028CCA[8] (p.Thr351_Thr353del)

Genes: CADM1 (cell adhesion molecule 1; minus strand), LOC126861346 (MED14-independent group 3 enhancer GRCh37_chr11:115079540-115080739; plus strand). Cytogenetic location: 11q23.3.
Variant type: Microsatellite.
Coding change: c.1028CCA[8] on transcript NM_001301043.2 (MANE Select); eight copies in a row of the 3-base unit CCA starting at c.1028; the reference has 11 copies in a row; three copies, 9 bases deleted.
Protein change: p.Thr351_Thr353del.
Molecular consequence: inframe deletion. On other transcripts: intron variant (2).
Genome position (GRCh38, 1-based): chr11:115,209,592-115,209,600, TGGTGGTGG deleted on the plus strand (CCACCACCA on the coding strand, the reverse complement: CADM1 is on the minus strand); deleting any 9 consecutive bases within chr11:115,209,592-115,209,625 gives the same sequence; the position shown is the placement nearest the transcript's 3' end. VCF-style (leftmost placement, unchanged base first): chr11-115209591-ATGGTGGTGG-A. GRCh37 (hg19) VCF-style: chr11-115080311-ATGGTGGTGG-A.
Other names: c.1052_1060del (NM_014333.3); c.1028CCA[8], p.Thr351_Thr353del (NM_001301044.2, NM_014333.4); c.994+4984CCA[8] (NM_001098517.2, NM_001301045.2).
Identifiers: ClinVar variation 733505 (VCV000733505.22), dbSNP rs747352768, ClinGen allele CA6287530.
Genomic context (GRCh38, chr11:115,209,591, plus strand): 5'-ATATACATTCAGGACATTTTCAATGGTAATGAAGATACCATACCTGTGATGATGGTAAGG[ATGGTGGTGG>A]TGGTGGTGGTGGTGGTGGTGGTGGTTGTTGTGGGAGGAGGGATAGTTGTGGGGGGATCTG-3'

ClinVar aggregate classification (germline): Benign. Review status: criteria provided, multiple submitters, no conflicts (2 of 4 stars). 2 submissions from 2 submitters: Benign (2). Last evaluated 2024-07-01.

Submissions (2):

CeGaT Center for Human Genetics Tuebingen
Classification: Benign. Last evaluated: 2024-07-01. Review status: criteria provided, single submitter. Criteria: CeGaT Center For Human Genetics Tuebingen Variant Classification Criteria Version 2. Collection method: clinical testing. Allele origin: germline. Affected: yes. Observed: 1 variant allele.
Comment: CADM1: BS1, BS2

Labcorp Genetics (formerly Invitae), Labcorp
Classification: Benign. Last evaluated: 2019-12-31. Review status: criteria provided, single submitter. Criteria: Invitae Variant Classification Sherloc (09022015). Collection method: clinical testing. Allele origin: germline.